The following is an entry in ClinVar:

ClinVar aggregate classification (germline): Uncertain significance (1 of 4 stars; one submission).

Conditions:
Hereditary cancer-predisposing syndrome. Also called: Neoplastic Syndromes, Hereditary; Tumor predisposition; Hereditary neoplastic syndrome; Hereditary Cancer Syndrome. Identifiers: Orphanet 140162, MedGen C0027672, MeSH D009386, MONDO:0015356.

Submission:

Ambry Genetics
Classification: Uncertain significance for Hereditary cancer-predisposing syndrome. Last evaluated: 2025-05-23. Review status: criteria provided, single submitter. Criteria: Ambry Variant Classification Scheme 2023. Collection method: clinical testing. Allele origin: germline.
Comment: The p.Y35H variant (also known as c.103T>C), located in coding exon 2 of the MITF gene, results from a T to C substitution at nucleotide position 103. The tyrosine at codon 35 is replaced by histidine, an amino acid with similar properties. This amino acid position is conserved. In addition, this alteration is predicted to be deleterious by in silico analysis. Based on the available evidence, the clinical significance of this variant remains unclear.

NM_001354604.2(MITF):c.424T>C (p.Tyr142His)

Gene: MITF (melanocyte inducing transcription factor; plus strand). Cytogenetic location: 3p13.
Variant type: single nucleotide variant.
Coding change: c.424T>C on transcript NM_001354604.2 (MANE Select); coding-DNA position 424, T replaced by C.
Protein change: p.Tyr142His; replaces tyrosine 142 with histidine.
Molecular consequence: missense variant. On other transcripts: intron variant (1).
Genome position (GRCh38, 1-based): chr3:69,937,891, T>C. VCF-style: chr3-69937891-T-C. GRCh37 (hg19) VCF-style: chr3-69987042-T-C.
Other names: c.103T>C, p.Tyr35His (NM_000248.4, NM_001184968.2, NM_198158.3); c.268T>C, p.Tyr90His (NM_001184967.2, NM_001354608.2); c.421T>C, p.Tyr141His (NM_001354605.2, NM_001354606.2, NM_006722.3); c.373T>C, p.Tyr125His (NM_001354607.2); c.424T>C, p.Tyr142His (NM_198159.3); c.376T>C, p.Tyr126His (NM_198177.3); c.93+10T>C (NM_198178.3); short protein forms Y90H, Y125H, Y126H, Y141H, Y142H, Y35H.
Identifiers: ClinVar variation 4055212 (VCV004055212.1).